The following is an entry in ClinVar:

NM_018127.7(ELAC2):c.1735G>C (p.Val579Leu)

Gene: ELAC2 (elaC ribonuclease Z 2; minus strand). Cytogenetic location: 17p12.
Variant type: single nucleotide variant.
Coding change: c.1735G>C on transcript NM_018127.7 (MANE Select); coding-DNA position 1735, G replaced by C.
Protein change: p.Val579Leu; replaces valine 579 with leucine.
Molecular consequence: missense variant.
Genome position (GRCh38, 1-based): chr17:12,995,776, C>G on the plus strand (G>C on the coding strand, the complement: ELAC2 is on the minus strand). VCF-style: chr17-12995776-C-G. GRCh37 (hg19) VCF-style: chr17-12899093-C-G.
Other names: c.1732G>C, p.Val578Leu (NM_173717.2); c.1615G>C, p.Val539Leu (NM_001165962.2); short protein forms V578L, V539L, V579L.
Identifiers: ClinVar variation 1370183 (VCV001370183.4), dbSNP rs1365874986, ClinGen allele CA398223649.

ClinVar aggregate classification (germline): Uncertain significance (1 of 4 stars; one submission).

Conditions:
Combined oxidative phosphorylation defect type 17. Also called: Combined oxidative phosphorylation deficiency 17. Identifiers: Orphanet 369913, MedGen C3809526, MONDO:0014190, OMIM 615440.

Allele frequency attached by ClinVar (database versions not stated): gnomAD exomes below 0.00001; gnomAD 0.00001.
gnomAD v4.1: 5 of 1,612,768 alleles (0.00031%); highest among the groups gnomAD compares: Non-Finnish European, 0.00042%; no homozygotes.

Submission:

Labcorp Genetics (formerly Invitae), Labcorp
Classification: Uncertain significance for Combined oxidative phosphorylation defect type 17. Last evaluated: 2021-10-14. Review status: criteria provided, single submitter. Criteria: Invitae Variant Classification Sherloc (09022015). Collection method: clinical testing. Allele origin: germline.
Comment: In summary, the available evidence is currently insufficient to determine the role of this variant in disease. Therefore, it has been classified as a Variant of Uncertain Significance. Algorithms developed to predict the effect of missense changes on protein structure and function are either unavailable or do not agree on the potential impact of this missense change (SIFT: "Tolerated"; PolyPhen-2: "Possibly Damaging"; Align-GVGD: "Class C0"). This variant has not been reported in the literature in individuals affected with ELAC2-related conditions. This variant is not present in population databases (ExAC no frequency). This sequence change replaces valine with leucine at codon 579 of the ELAC2 protein (p.Val579Leu). The valine residue is highly conserved and there is a small physicochemical difference between valine and leucine.